The following is an entry in ClinVar:

NM_177972.3(TUB):c.983A>G (p.Tyr328Cys)

Genes: RIC3 (RIC3 acetylcholine receptor chaperone; minus strand), TUB (TUB bipartite transcription factor; plus strand). Cytogenetic location: 11p15.4.
Variant type: single nucleotide variant.
Coding change: c.983A>G on transcript NM_177972.3 (MANE Select); coding-DNA position 983, A replaced by G.
Protein change: p.Tyr328Cys; replaces tyrosine 328 with cysteine.
Molecular consequence: missense variant.
Genome position (GRCh38, 1-based): chr11:8,097,811, A>G. VCF-style: chr11-8097811-A-G. GRCh37 (hg19) VCF-style: chr11-8119358-A-G.
Other names: c.1148A>G, p.Tyr383Cys (NM_003320.5); short protein forms Y328C, Y383C.
Identifiers: ClinVar variation 2092133 (VCV002092133.4), dbSNP rs766241083, ClinGen allele CA5871285.

ClinVar aggregate classification (germline): Uncertain significance. Review status: criteria provided, multiple submitters, no conflicts (2 of 4 stars). 2 submissions from 2 submitters: Uncertain significance (2). Last evaluated 2023-12-12.

Allele frequency attached by ClinVar (database versions not stated): TOPMed 0.00001; ExAC 0.00003; gnomAD 0.00003.
gnomAD v4.1: 42 of 1,613,618 alleles (0.0026%); highest among the groups gnomAD compares: South Asian, 0.038%; 3 homozygotes.

Submissions (2):

Blueprint Genetics
Classification: Uncertain significance. Last evaluated: 2023-12-12. Review status: criteria provided, single submitter. Criteria: ACMG Guidelines, 2015. Collection method: clinical testing. Allele origin: germline.

Labcorp Genetics (formerly Invitae), Labcorp
Classification: Uncertain significance. Last evaluated: 2022-11-08. Review status: criteria provided, single submitter. Criteria: Invitae Variant Classification Sherloc (09022015). Collection method: clinical testing. Allele origin: germline.
Comment: In summary, the available evidence is currently insufficient to determine the role of this variant in disease. Therefore, it has been classified as a Variant of Uncertain Significance. Algorithms developed to predict the effect of missense changes on protein structure and function (SIFT, PolyPhen-2, Align-GVGD) all suggest that this variant is likely to be disruptive. This variant has not been reported in the literature in individuals affected with TUB-related conditions. This variant is present in population databases (rs766241083, gnomAD 0.03%). This sequence change replaces tyrosine, which is neutral and polar, with cysteine, which is neutral and slightly polar, at codon 383 of the TUB protein (p.Tyr383Cys).